The following is an entry in ClinVar:

NM_020884.7(MYH7B):c.589G>A (p.Val197Ile)

Gene: MYH7B (myosin heavy chain 7B; plus strand). Cytogenetic location: 20q11.22.
Variant type: single nucleotide variant.
Coding change: c.589G>A on transcript NM_020884.7 (MANE Select); coding-DNA position 589, G replaced by A.
Protein change: p.Val197Ile; replaces valine 197 with isoleucine.
Molecular consequence: missense variant.
Genome position (GRCh38, 1-based): chr20:34,982,520, G>A. VCF-style: chr20-34982520-G-A. GRCh37 (hg19) VCF-style: chr20-33570323-G-A.
Other names: c.715G>A (NM_020884.3); short protein forms V197I.
Identifiers: ClinVar variation 1916578 (VCV001916578.6), dbSNP rs773620102, ClinGen allele CA9826516.

ClinVar aggregate classification (germline): Uncertain significance. Review status: criteria provided, multiple submitters, no conflicts (2 of 4 stars). 2 submissions from 2 submitters: Uncertain significance (2). Last evaluated 2025-08-13.

Allele frequency attached by ClinVar (database versions not stated): ExAC 0.00001; gnomAD exomes 0.00001; TOPMed 0.00001.
gnomAD v4.1: 13 of 1,611,858 alleles (0.00081%); highest among the groups gnomAD compares: East Asian, 0.0022%; no homozygotes.

Submissions (2):

Ambry Genetics
Classification: Uncertain significance. Last evaluated: 2025-08-13. Review status: criteria provided, single submitter. Criteria: Ambry Variant Classification Scheme 2023. Collection method: clinical testing. Allele origin: germline.

Labcorp Genetics (formerly Invitae), Labcorp
Classification: Uncertain significance. Last evaluated: 2022-08-21. Review status: criteria provided, single submitter. Criteria: Invitae Variant Classification Sherloc (09022015). Collection method: clinical testing. Allele origin: germline.
Comment: In summary, the available evidence is currently insufficient to determine the role of this variant in disease. Therefore, it has been classified as a Variant of Uncertain Significance. Algorithms developed to predict the effect of missense changes on protein structure and function are either unavailable or do not agree on the potential impact of this missense change (SIFT: "Deleterious"; PolyPhen-2: "Benign"; Align-GVGD: "Class C25"). This variant has not been reported in the literature in individuals affected with MYH7B-related conditions. This variant is present in population databases (rs773620102, gnomAD 0.007%). This sequence change replaces valine, which is neutral and non-polar, with isoleucine, which is neutral and non-polar, at codon 239 of the MYH7B protein (p.Val239Ile).